The following is an entry in ClinVar:

ClinVar aggregate classification (germline): Pathogenic (1 of 4 stars; one submission).

Conditions:
Familial cancer of breast. Also called: BREAST CANCER, FAMILIAL; Hereditary breast cancer; hereditary breast carcinoma. Identifiers: Orphanet 227535, MedGen C0346153, MONDO:0016419, OMIM 114480. Disease mechanism: loss of function.

Submission:

Myriad Genetics, Inc.
Classification: Pathogenic for Familial cancer of breast. Last evaluated: 2024-01-17. Review status: criteria provided, single submitter. Criteria: Myriad Autosomal Dominant, Autosomal Recessive and X-Linked Classification Criteria (2023). Collection method: clinical testing. Allele origin: unknown.
Comment: This variant is considered pathogenic. This variant creates a frameshift predicted to result in premature protein truncation.

NM_000051.4(ATM):c.2388_2389dup (p.Lys797fs)

Gene: ATM (ATM serine/threonine kinase; plus strand). Cytogenetic location: 11q22.3.
Variant type: Duplication.
Coding change: c.2388_2389dup on transcript NM_000051.4 (MANE Select); coding-DNA positions 2388 to 2389, 2 bases duplicated (TA; older notation c.2388_2389dupTA).
Protein change: p.Lys797fs; shifts the reading frame from lysine 797.
Molecular consequence: frameshift variant.
Genome position (GRCh38, 1-based): chr11:108,258,997-108,258,998, TA duplicated; duplicating any 2 consecutive bases within chr11:108,258,996-108,258,998 gives the same sequence; the c. name uses the placement nearest the transcript's 3' end. VCF-style (leftmost placement, unchanged base first): chr11-108258995-A-AAT. GRCh37 (hg19) VCF-style: chr11-108129722-A-AAT.
Other names: c.2388_2389dup, p.Lys797fs (NM_001351834.2); short protein forms K797fs.
Identifiers: ClinVar variation 3148167 (VCV003148167.1), dbSNP rs2497417047, ClinGen allele CA2825001805.
Genomic context (GRCh38, chr11:108,258,995, plus strand): 5'-TAATTGTTTTTATTTCTTTGTTGCTTGGTTCTTTGTTTGTCTTAATTGCAGAAGAGTCCA[A>AAT]ATAAGATTGCATCTGGCTTTTTCCTGCGATTGTTAACATCAAAGCTAATGAATGACATTG-3'